The following is an entry in ClinVar:

ClinVar aggregate classification (germline): Uncertain significance. Review status: criteria provided, multiple submitters, no conflicts (2 of 4 stars). 7 submissions from 7 submitters: Uncertain significance (7). Last evaluated 2025-06-14.

Conditions:
Cardiac arrhythmia. Also called: Cardiac rhythm disease; Arrhythmia. Identifiers: MedGen C0003811, MONDO:0007263, HP:0011675.
Cardiovascular phenotype. Identifiers: MedGen CN230736.
Long QT syndrome (LQTS). Identifiers: MedGen C0023976, MeSH D008133, MONDO:0002442. Disease mechanism: loss of function. Inheritance: Various modes of inheritance.

Allele frequency attached by ClinVar (database versions not stated): gnomAD 0.00001; gnomAD exomes 0.00001; TOPMed 0.00001.
gnomAD v4.1: 17 of 1,570,292 alleles (0.0011%); highest among the groups gnomAD compares: Middle Eastern, 0.05%; no homozygotes.

Submissions (7):

Labcorp Genetics (formerly Invitae), Labcorp
Classification: Uncertain significance for Long QT syndrome. Last evaluated: 2025-06-14. Review status: criteria provided, single submitter. Criteria: Invitae Variant Classification Sherloc (09022015). Collection method: clinical testing. Allele origin: germline.
Comment: This sequence change replaces arginine, which is basic and polar, with cysteine, which is neutral and slightly polar, at codon 1007 of the KCNH2 protein (p.Arg1007Cys). The frequency data for this variant in the population databases is considered unreliable, as metrics indicate poor data quality at this position in the gnomAD database. This variant has not been reported in the literature in individuals affected with KCNH2-related conditions. ClinVar contains an entry for this variant (Variation ID: 918739). An algorithm developed to predict the effect of missense changes on protein structure and function (PolyPhen-2) suggests that this variant is likely to be tolerated. In summary, the available evidence is currently insufficient to determine the role of this variant in disease. Therefore, it has been classified as a Variant of Uncertain Significance.

GeneDx
Classification: Uncertain significance. Last evaluated: 2024-03-13. Review status: criteria provided, single submitter. Criteria: GeneDx Variant Classification Process June 2021. Collection method: clinical testing. Allele origin: germline. Affected: yes.
Comment: Has not been previously published as pathogenic or benign in association with a KCNH2-related disorder to our knowledge; Not observed at significant frequency in large population cohorts (gnomAD); In silico analysis supports that this missense variant does not alter protein structure/function; This variant is associated with the following publications: (PMID: 34515413)

Color Diagnostics, LLC DBA Color Health
Classification: Uncertain significance for Cardiac arrhythmia. Last evaluated: 2024-03-06. Review status: criteria provided, single submitter. Criteria: ACMG Guidelines, 2015. Collection method: clinical testing. Allele origin: germline.
Comment: This missense variant replaces arginine with cysteine at codon 1007 of the KCNH2 protein. Computational prediction is inconclusive regarding the impact of this variant on protein structure and function (internally defined REVEL score threshold 0.5 < inconclusive < 0.7, PMID: 27666373). To our knowledge, functional studies have not been reported for this variant. This variant has not been reported in individuals affected with KCNH2-related disorders in the literature. This variant has been identified in 2/207964 chromosomes in the general population by the Genome Aggregation Database (gnomAD). The available evidence is insufficient to determine the role of this variant in disease conclusively. Therefore, this variant is classified as a Variant of Uncertain Significance.

CeGaT Center for Human Genetics Tuebingen
Classification: Uncertain significance. Last evaluated: 2023-12-01. Review status: criteria provided, single submitter. Criteria: CeGaT Center For Human Genetics Tuebingen Variant Classification Criteria Version 2. Collection method: clinical testing. Allele origin: germline. Affected: yes. Observed: 1 variant allele.
Comment: KCNH2: PM5, PS4:Supporting

All of Us Research Program, National Institutes of Health
Classification: Uncertain significance for Long QT syndrome. Last evaluated: 2023-05-15. Review status: criteria provided, single submitter. Criteria: ACMG Guidelines, 2015. Collection method: clinical testing. Allele origin: germline. Inheritance: Autosomal dominant inheritance. Observed: 2 variant alleles, 2 heterozygotes.
Comment: This missense variant replaces arginine with cysteine at codon 1007 of the KCNH2 protein. Computational prediction tool is inconclusive regarding the impact of this variant on protein structure and function (internally defined REVEL score threshold 0.5 < inconclusive < 0.7, PMID: 27666373). Splice site prediction tools suggest that this variant may not impact RNA splicing. To our knowledge, functional studies have not been performed for this variant. This variant has not been reported in individuals affected with cardiovascular disorders in the literature. This variant has been identified in 2/207964 chromosomes in the general population by the Genome Aggregation Database (gnomAD). The available evidence is insufficient to determine the role of this variant in disease conclusively. Therefore, this variant is classified as a Variant of Uncertain Significance.

This study involves interpretation of variants in research participants for the purpose of population health screening. Participant phenotype was not available at the time of variant classification. Additional details can be found in publication PMID: 35346344, PMCID: PMC8962531

Ambry Genetics
Classification: Uncertain significance for Cardiovascular phenotype. Last evaluated: 2021-11-01. Review status: criteria provided, single submitter. Criteria: Ambry Variant Classification Scheme 2023. Collection method: clinical testing. Allele origin: germline.
Comment: The p.R1007C variant (also known as c.3019C>T), located in coding exon 13 of the KCNH2 gene, results from a C to T substitution at nucleotide position 3019. The arginine at codon 1007 is replaced by cysteine, an amino acid with highly dissimilar properties. This amino acid position is well conserved in available vertebrate species. In addition, this alteration is predicted to be deleterious by in silico analysis. Since supporting evidence is limited at this time, the clinical significance of this alteration remains unclear.

Blueprint Genetics
Classification: Uncertain significance. Last evaluated: 2018-12-14. Review status: criteria provided, single submitter. Criteria: ACMG Guidelines, 2015. Collection method: clinical testing. Allele origin: germline.

NM_000238.4(KCNH2):c.3019C>T (p.Arg1007Cys)

Gene: KCNH2 (potassium voltage-gated channel subfamily H member 2; minus strand). Cytogenetic location: 7q36.1.
Variant type: single nucleotide variant.
Coding change: c.3019C>T on transcript NM_000238.4 (MANE Select); coding-DNA position 3019, C replaced by T.
Protein change: p.Arg1007Cys; replaces arginine 1007 with cysteine.
Molecular consequence: missense variant.
Genome position (GRCh38, 1-based): chr7:150,947,461, G>A on the plus strand (C>T on the coding strand, the complement: KCNH2 is on the minus strand). VCF-style: chr7-150947461-G-A. GRCh37 (hg19) VCF-style: chr7-150644549-G-A.
Other names: c.3019C>T (NM_000238.2); c.1999C>T, p.Arg667Cys (NM_172057.3); short protein forms R667C, R1007C.
Identifiers: ClinVar variation 918739 (VCV000918739.35), dbSNP rs1224504959, ClinGen allele CA369852911.
Genomic context (GRCh38, chr7:150,947,461, plus strand): 5'-GGGGGATGTTGAGGAGGCTGGGGGTGGGGGCGGGGCATCGAGGGAGCTCCTGGTACTGGC[G>A]GCCCCGACTGTCCCCCCAGAAGCTGAAAATGTTGGACACTCCTGAGAAGGCGCCTGCAGC-3'
Protein context (NP_000229.1, residues 997-1017): IFSFWGDSRG[Arg1007Cys]QYQELPRCPA